The following is an entry in ClinVar:

NM_004168.4(SDHA):c.1065-2A>G

Gene: SDHA (succinate dehydrogenase complex flavoprotein subunit A; plus strand). Cytogenetic location: 5p15.33.
Variant type: single nucleotide variant.
Coding change: c.1065-2A>G on transcript NM_004168.4 (MANE Select); the canonical splice acceptor site of the intron before coding-DNA position 1065, A replaced by G.
Molecular consequence: splice acceptor variant.
Genome position (GRCh38, 1-based): chr5:235,142, A>G. VCF-style: chr5-235142-A-G. GRCh37 (hg19) VCF-style: chr5-235257-A-G.
Other names: c.1065-2A>G (NM_001330758.2); c.921-2A>G (NM_001294332.2).
Identifiers: ClinVar variation 2442322 (VCV002442322.2), dbSNP rs2477362018, ClinGen allele CA359013371.

ClinVar aggregate classification (germline): Likely pathogenic. Review status: criteria provided, multiple submitters, no conflicts (2 of 4 stars). 2 submissions from 2 submitters: Likely pathogenic (2). Last evaluated 2025-11-10.

Conditions:
Pheochromocytoma/paraganglioma syndrome 5. Also called: Paragangliomas 5; SDHA-Related Hereditary Paraganglioma-Pheochromocytoma Syndrome. Identifiers: Orphanet 29072, MedGen C3279992, MONDO:0013602, OMIM 614165.
Mitochondrial complex II deficiency, nuclear type 1. Also called: SUCCINATE CoQ REDUCTASE DEFICIENCY. Identifiers: Orphanet 3208, MedGen C5700310, MONDO:0100294, OMIM 252011.

Submissions (2):

Labcorp Genetics (formerly Invitae), Labcorp
Classification: Likely pathogenic for Pheochromocytoma/paraganglioma syndrome 5; Mitochondrial complex II deficiency, nuclear type 1. Last evaluated: 2025-11-10. Review status: criteria provided, single submitter. Criteria: Invitae Variant Classification Sherloc (09022015). Collection method: clinical testing. Allele origin: germline.
Comment: This sequence change affects an acceptor splice site in intron 8 of the SDHA gene. It is expected to disrupt RNA splicing. Variants that disrupt the donor or acceptor splice site typically lead to a loss of protein function (PMID: 16199547), and loss-of-function variants in SDHA are known to be pathogenic (PMID: 22974104, 24781757). This variant is not present in population databases (gnomAD no frequency). This variant has not been reported in the literature in individuals affected with SDHA-related conditions. ClinVar contains an entry for this variant (Variation ID: 2442322). Studies have shown that disruption of this splice site is associated with inconclusive levels of altered splicing (internal data). In summary, the currently available evidence indicates that the variant is pathogenic, but additional data are needed to prove that conclusively. Therefore, this variant has been classified as Likely Pathogenic.

Myriad Genetics, Inc.
Classification: Likely pathogenic for Pheochromocytoma/paraganglioma syndrome 5. Last evaluated: 2023-01-11. Review status: criteria provided, single submitter. Criteria: Myriad Autosomal Dominant, Autosomal Recessive and X-Linked Classification Criteria (2023). Collection method: clinical testing. Allele origin: unknown.
Comment: This variant is considered likely pathogenic. This variant occurs within a consensus splice junction and is predicted to result in abnormal mRNA splicing of either an out-of-frame exon or an in-frame exon necessary for protein stability and/or normal function.

Literature cited by the submitters: PubMed 16199547 (cited by Labcorp Genetics (formerly Invitae), Labcorp); PubMed 22974104 (cited by Labcorp Genetics (formerly Invitae), Labcorp); PubMed 24781757 (cited by Labcorp Genetics (formerly Invitae), Labcorp).